The following is an entry in ClinVar:

NM_001374828.1(ARID1B):c.901C>T (p.Pro301Ser)

Genes: ARID1B (AT-rich interaction domain 1B; plus strand), LOC129997525 (ATAC-STARR-seq lymphoblastoid silent region 17712; plus strand). Cytogenetic location: 6q25.3.
Variant type: single nucleotide variant.
Coding change: c.901C>T on transcript NM_001374828.1 (MANE Select); coding-DNA position 901, C replaced by T.
Protein change: p.Pro301Ser; replaces proline 301 with serine.
Molecular consequence: missense variant.
Genome position (GRCh38, 1-based): chr6:156,778,581, C>T. VCF-style: chr6-156778581-C-T. GRCh37 (hg19) VCF-style: chr6-157099715-C-T.
Other names: c.652C>T, p.Pro218Ser (NM_020732.3); c.901C>T, p.Pro301Ser (NM_001371656.1, NM_001374820.1, NM_017519.3); short protein forms P218S, P301S.
Identifiers: ClinVar variation 588872 (VCV000588872.5), dbSNP rs1044746171, ClinGen allele CA366382364.

ClinVar aggregate classification (germline): Uncertain significance (1 of 4 stars; one submission).

Conditions:
Inborn genetic diseases. Identifiers: MedGen C0950123, MeSH D030342.

gnomAD v4.1: 1 of 1,261,698 alleles (0.000079%); highest among the groups gnomAD compares: Non-Finnish European, 0.000099%; no homozygotes.

Submission:

Ambry Genetics
Classification: Uncertain significance for Inborn genetic diseases. Last evaluated: 2017-03-27. Review status: criteria provided, single submitter. Criteria: Ambry Variant Classification Scheme 2023. Collection method: clinical testing. Allele origin: germline.
Comment: The p.P218S variant (also known as c.652C>T), located in coding exon 1 of the ARID1B gene, results from a C to T substitution at nucleotide position 652. The proline at codon 218 is replaced by serine, an amino acid with similar properties. This amino acid position is poorly conserved in available vertebrate species. In addition, this alteration is predicted to be tolerated by in silico analysis. Since supporting evidence is limited at this time, the clinical significance of this alteration remains unclear.